The following is an entry in ClinVar:

NM_000545.8(HNF1A):c.872C>T (p.Pro291Leu)

Gene: HNF1A (HNF1 homeobox A; plus strand). Cytogenetic location: 12q24.31.
Variant type: single nucleotide variant.
Coding change: c.872C>T on transcript NM_000545.8 (MANE Select); coding-DNA position 872, C replaced by T.
Protein change: p.Pro291Leu; replaces proline 291 with leucine.
Molecular consequence: missense variant.
Genome position (GRCh38, 1-based): chr12:120,994,322, C>T. VCF-style: chr12-120994322-C-T. GRCh37 (hg19) VCF-style: chr12-121432125-C-T.
Other names: NM_001306179.2:c.872C>T; NM_000545.8(HNF1A):c.872C>T; p.Pro291Leu; c.872C>T, p.Pro291Leu (NM_001306179.2); short protein forms P291L.
Identifiers: ClinVar variation 1687075 (VCV001687075.6), dbSNP rs193922606, ClinGen allele CA6831859.
Genomic context (GRCh38, chr12:120,994,322, plus strand): 5'-GGCGCAAAGAAGAAGCCTTCCGGCACAAGCTGGCCATGGACACGTACAGCGGGCCCCCCC[C>T]AGGGCCAGGCCCGGGACCTGCGCTGCCCGCTCACAGCTCCCCTGGCCTGCCTCCACCTGC-3'
Protein context (NP_000536.6, residues 281-301): LAMDTYSGPP[Pro291Leu]GPGPGPALPA

ClinVar aggregate classification (germline): Uncertain significance. Review status: reviewed by expert panel (3 of 4 stars). 3 submissions from 3 submitters: Uncertain significance (1). 2 of the submissions do not count toward it. Last evaluated 2025-09-26.

Conditions:
Monogenic diabetes. Identifiers: Orphanet 183625, MedGen C3888631, MONDO:0015967.
Diabetes mellitus type 1 (T1D). Also called: Diabetes Mellitus, Juvenile-Onset; Type I diabetes mellitus. Identifiers: MedGen C0011854, MONDO:0005147, OMIM 222100, HP:0100651.
Hepatic adenomas, familial. Also called: LIVER CELL ADENOMAS, FAMILIAL; HEPATIC ADENOMA, SOMATIC. Identifiers: MedGen C1840646, MONDO:0007718, OMIM 142330.
Type 1 diabetes mellitus 20 (T1D20). Also called: Diabetes mellitus, insulin-dependent, 20. Identifiers: MedGen C2675866, MONDO:0012919, OMIM 612520.
Nonpapillary renal cell carcinoma. Identifiers: Orphanet 422526, MedGen CN074294, MONDO:0007763, OMIM 144700.
Maturity-onset diabetes of the young type 3. Also called: MODY type 3; MODY, type III. Identifiers: Orphanet 552, MedGen C1838100, MeSH C563933, MONDO:0010894, OMIM 600496. Disease mechanism: loss of function.
Type 2 diabetes mellitus. Also called: Type II diabetes mellitus. Identifiers: MedGen C0011860, MeSH D003924, MONDO:0005148, OMIM 125853, HP:0005978.

Allele frequency attached by ClinVar (database versions not stated): ESP Exome Variant Server 0.00008.
gnomAD v4.1: 78 of 1,609,652 alleles (0.0048%); highest among the groups gnomAD compares: South Asian, 0.01%; no homozygotes.

Submissions (3):

ClinGen Monogenic Diabetes Variant Curation Expert Panel
Classification: Uncertain significance for Monogenic diabetes. Last evaluated: 2025-09-26. Review status: reviewed by expert panel. Criteria: ClinGen Diabetes ACMG Specifications HNF1A V3.0.0. Collection method: curation. Allele origin: germline. Inheritance: Autosomal dominant inheritance.
Comment: The c.872C>T variant in the HNF1 homeobox A gene, HNF1A, causes an amino acid change of proline to leucine at codon 291 (p.(Pro291Leu)) of NM_000545.8. This variant has a Grpmax Filtering allele frequency in gnomAD v.4.1.0 of 0.000052, which is greater than the MDEP threshold for BS1 (0.000033) (BS1). This variant has a REVEL score of 0.353, which is between the ClinGen MDEP thresholds for BP4 and PP3, predicting neither a damaging nor benign impact on HNF1A function. In summary, c.872C>T meets the criteria to be classified as a variant of uncertain significance for monogenic diabetes. ACMG/AMP criteria applied, as specified by the ClinGen MDEP (specification version 3.0.0, approved 6/30/2025): BS1.

Women's Health and Genetics/Laboratory Corporation of America, LabCorp
Classification: Likely benign. Last evaluated: 2026-03-11. Review status: criteria provided, single submitter. Criteria: LabCorp Variant Classification Summary - May 2015. Collection method: clinical testing. Allele origin: germline. Not counted in ClinVar's aggregate classification.
Comment: Variant summary: HNF1A c.872C>T (p.Pro291Leu) results in a non-conservative amino acid change in the encoded protein sequence. Algorithms developed to predict the effect of missense changes on protein structure and function are either unavailable or do not agree on the potential impact of this missense change. The variant allele was found at a frequency of 4.6e-05 in 239016 control chromosomes (gnomAD). The observed variant frequency exceeds the estimated maximal expected allele frequency for disease-causing variants in HNF1A. At least one functional study showed this variant has increasing transcriptional activation using luciferase reporters in HeLa cells (DeForest_2023). The following publication have been ascertained in the context of this evaluation (PMID: 37492105). ClinVar contains an entry for this variant (Variation ID: 1687075). Based on the evidence outlined above, the variant was classified as likely benign.

Fulgent Genetics
Classification: Uncertain significance for Type 2 diabetes mellitus; Hepatic adenomas, familial; Nonpapillary renal cell carcinoma; Diabetes mellitus type 1; Maturity-onset diabetes of the young type 3; Type 1 diabetes mellitus 20. Last evaluated: 2022-03-31. Review status: criteria provided, single submitter. Criteria: ACMG Guidelines, 2015. Collection method: clinical testing. Allele origin: unknown. Not counted in ClinVar's aggregate classification.

Literature cited by the submitters: PubMed 37492105 (cited by Women's Health and Genetics/Laboratory Corporation of America, LabCorp).